The following is an entry in ClinVar:

NM_001258392.3(CLPB):c.1759T>C (p.Tyr587His)

Gene: CLPB (ClpB family mitochondrial disaggregase; minus strand). Cytogenetic location: 11q13.4.
Variant type: single nucleotide variant.
Coding change: c.1759T>C on transcript NM_001258392.3 (MANE Select); coding-DNA position 1759, T replaced by C.
Protein change: p.Tyr587His; replaces tyrosine 587 with histidine.
Molecular consequence: missense variant.
Genome position (GRCh38, 1-based): chr11:72,294,048, A>G on the plus strand (T>C on the coding strand, the complement: CLPB is on the minus strand). VCF-style: chr11-72294048-A-G. GRCh37 (hg19) VCF-style: chr11-72005092-A-G.
Other names: c.1672T>C, p.Tyr558His (NM_001258393.3); c.1714T>C, p.Tyr572His (NM_001258394.3); c.1849T>C, p.Tyr617His (NM_030813.6); short protein forms Y558H, Y572H, Y587H, Y617H.
Identifiers: ClinVar variation 4537627 (VCV004537627.1).

ClinVar aggregate classification (germline): Uncertain significance (1 of 4 stars; one submission).

Submission:

GeneDx
Classification: Uncertain significance. Last evaluated: 2025-06-12. Review status: criteria provided, single submitter. Criteria: GeneDx Variant Classification Process June 2021. Collection method: clinical testing. Allele origin: germline. Affected: yes.
Comment: Has not been previously published as pathogenic or benign to our knowledge; Not observed at significant frequency in large population cohorts (gnomAD); In silico analysis supports that this missense variant has a deleterious effect on protein structure/function